The following is an entry in ClinVar:

ClinVar aggregate classification (germline): Uncertain significance. Review status: criteria provided, multiple submitters, no conflicts (2 of 4 stars). 3 submissions from 3 submitters: Uncertain significance (3). Last evaluated 2025-08-11.

Conditions:
Inborn genetic diseases. Identifiers: MedGen C0950123, MeSH D030342.
Werner syndrome (WRN). Identifiers: Orphanet 902, MedGen C0043119, MONDO:0010196, OMIM 277700.

Allele frequency attached by ClinVar (database versions not stated): ExAC 0.00002; gnomAD exomes 0.00003; gnomAD 0.00006; TOPMed 0.00006; ESP Exome Variant Server 0.00008.
gnomAD v4.1: 34 of 1,614,144 alleles (0.0021%); highest among the groups gnomAD compares: Middle Eastern, 0.033%; no homozygotes.

Submissions (3):

Labcorp Genetics (formerly Invitae), Labcorp
Classification: Uncertain significance for Werner syndrome. Last evaluated: 2025-08-11. Review status: criteria provided, single submitter. Criteria: Invitae Variant Classification Sherloc (09022015). Collection method: clinical testing. Allele origin: germline.
Comment: This sequence change replaces valine, which is neutral and non-polar, with leucine, which is neutral and non-polar, at codon 1031 of the WRN protein (p.Val1031Leu). This variant is present in population databases (rs138492730, gnomAD 0.007%). This variant has not been reported in the literature in individuals affected with WRN-related conditions. ClinVar contains an entry for this variant (Variation ID: 195860). An algorithm developed to predict the effect of missense changes on protein structure and function (PolyPhen-2) suggests that this variant is likely to be tolerated. In summary, the available evidence is currently insufficient to determine the role of this variant in disease. Therefore, it has been classified as a Variant of Uncertain Significance.

Ambry Genetics
Classification: Uncertain significance for Inborn genetic diseases. Last evaluated: 2025-08-09. Review status: criteria provided, single submitter. Criteria: Ambry Variant Classification Scheme 2023. Collection method: clinical testing. Allele origin: germline.

Eurofins Ntd Llc (ga)
Classification: Uncertain significance. Last evaluated: 2015-03-13. Review status: criteria provided, single submitter. Criteria: EGL Classification Definitions 2015. Collection method: clinical testing. Allele origin: germline. Observed: 1 variant allele, 1 heterozygote.

NM_000553.6(WRN):c.3091G>C (p.Val1031Leu)

Gene: WRN (WRN RecQ like helicase; plus strand). Cytogenetic location: 8p12.
Variant type: single nucleotide variant.
Coding change: c.3091G>C on transcript NM_000553.6 (MANE Select); coding-DNA position 3091, G replaced by C.
Protein change: p.Val1031Leu; replaces valine 1031 with leucine.
Molecular consequence: missense variant.
Genome position (GRCh38, 1-based): chr8:31,141,553, G>C. VCF-style: chr8-31141553-G-C. GRCh37 (hg19) VCF-style: chr8-30999069-G-C.
Other names: short protein forms V1031L.
Identifiers: ClinVar variation 195860 (VCV000195860.13), dbSNP rs138492730, ClinGen allele CA242521.